The following is an entry in ClinVar:

NM_001620.3(AHNAK):c.12556T>C (p.Leu4186=)

Gene: AHNAK (AHNAK nucleoprotein; minus strand). Cytogenetic location: 11q12.3.
Variant type: single nucleotide variant.
Coding change: c.12556T>C on transcript NM_001620.3 (MANE Select); coding-DNA position 12556, T replaced by C.
Protein change: p.Leu4186=; no amino-acid change (leucine 4186 retained).
Molecular consequence: synonymous variant. On other transcripts: intron variant (1).
Genome position (GRCh38, 1-based): chr11:62,521,861, A>G on the plus strand (T>C on the coding strand, the complement: AHNAK is on the minus strand). VCF-style: chr11-62521861-A-G. GRCh37 (hg19) VCF-style: chr11-62289333-A-G.
Other names: c.12556T>C, p.Leu4186= (NM_001346445.2, NM_001346446.2); c.342+13142T>C (NM_024060.4).
Identifiers: ClinVar variation 5039344 (VCV005039344.1).
Genomic context (GRCh38, chr11:62,521,861, plus strand): 5'-GGCCCTCTCCTTTGAAGCCAGGCATGCTGAACTTGGGCATTTTCACTTTGGGCATTTTTA[A>G]GTGCCAGTCTGGGCCTTGAACGTCCACATCTGGGACATCAATGTCCACTTTGGGGCCCTT-3'
Protein context (NP_001611.1, residues 4176-4196): DVDVQGPDWH[Leu4186=]KMPKVKMPKF

ClinVar aggregate classification (germline): Likely benign (1 of 4 stars; one submission).

Submission:

CeGaT Center for Human Genetics Tuebingen
Classification: Likely benign. Last evaluated: 2026-08-01. Review status: criteria provided, single submitter. Criteria: CeGaT Center For Human Genetics Tuebingen Variant Classification Criteria Version 2. Collection method: clinical testing. Allele origin: germline. Affected: yes. Observed: 1 variant allele.
Comment: AHNAK: BP4, BP7